The following is an entry in ClinVar:

NM_001972.4(ELANE):c.563C>G (p.Thr188Ser)

Gene: ELANE (elastase, neutrophil expressed; plus strand). Cytogenetic location: 19p13.3.
Variant type: single nucleotide variant.
Coding change: c.563C>G on transcript NM_001972.4 (MANE Select); coding-DNA position 563, C replaced by G.
Protein change: p.Thr188Ser; replaces threonine 188 with serine.
Molecular consequence: missense variant.
Genome position (GRCh38, 1-based): chr19:855,760, C>G. VCF-style: chr19-855760-C-G. GRCh37 (hg19) VCF-style: chr19-855760-C-G.
Other names: short protein forms T188S.
Identifiers: ClinVar variation 4824009 (VCV004824009.1).

ClinVar aggregate classification (germline): Uncertain significance (1 of 4 stars; one submission).

Conditions:
Inborn genetic diseases. Identifiers: MedGen C0950123, MeSH D030342.

Submission:

Ambry Genetics
Classification: Uncertain significance for Inborn genetic diseases. Last evaluated: 2026-01-15. Review status: criteria provided, single submitter. Criteria: Ambry Variant Classification Scheme 2023. Collection method: clinical testing. Allele origin: germline.
Comment: The p.T188S variant (also known as c.563C>G), located in coding exon 4 of the ELANE gene, results from a C to G substitution at nucleotide position 563. The threonine at codon 188 is replaced by serine, an amino acid with similar properties. This amino acid position is conserved. In addition, the in silico prediction for this alteration is inconclusive. Based on the available evidence, the clinical significance of this variant remains unclear.